The following is an entry in ClinVar:

ClinVar aggregate classification (germline): Uncertain significance. Review status: criteria provided, multiple submitters, no conflicts (2 of 4 stars). 2 submissions from 2 submitters: Uncertain significance (2). Last evaluated 2025-04-14.

Conditions:
Hereditary cancer-predisposing syndrome. Also called: Hereditary Cancer Syndrome; Hereditary neoplastic syndrome; Neoplastic Syndromes, Hereditary; Tumor predisposition. Identifiers: Orphanet 140162, MedGen C0027672, MeSH D009386, MONDO:0015356.
Juvenile polyposis syndrome (JPS). Identifiers: Orphanet 2929, MedGen C0345893, MONDO:0017380, OMIM 174900.

Submissions (2):

Labcorp Genetics (formerly Invitae), Labcorp
Classification: Uncertain significance for Juvenile polyposis syndrome. Last evaluated: 2025-04-14. Review status: criteria provided, single submitter. Criteria: Invitae Variant Classification Sherloc (09022015). Collection method: clinical testing. Allele origin: germline.
Comment: This sequence change replaces isoleucine, which is neutral and non-polar, with methionine, which is neutral and non-polar, at codon 94 of the SMAD4 protein (p.Ile94Met). This variant is not present in population databases (gnomAD no frequency). This variant has not been reported in the literature in individuals affected with SMAD4-related conditions. ClinVar contains an entry for this variant (Variation ID: 920622). Invitae Evidence Modeling of protein sequence and biophysical properties (such as structural, functional, and spatial information, amino acid conservation, physicochemical variation, residue mobility, and thermodynamic stability) has been performed for this missense variant. However, the output from this modeling did not meet the statistical confidence thresholds required to predict the impact of this variant on SMAD4 protein function. In summary, the available evidence is currently insufficient to determine the role of this variant in disease. Therefore, it has been classified as a Variant of Uncertain Significance.

Color Diagnostics, LLC DBA Color Health
Classification: Uncertain significance for Hereditary cancer-predisposing syndrome. Last evaluated: 2023-12-05. Review status: criteria provided, single submitter. Criteria: ACMG Guidelines, 2015. Collection method: clinical testing. Allele origin: germline.
Comment: This missense variant replaces isoleucine with methionine at codon 94 of the SMAD4 protein. Computational prediction tools and conservation analyses are inconclusive regarding the impact of this variant on the protein function. Computational splicing tools suggest that this variant may not impact RNA splicing. To our knowledge, functional assays have not been performed for this variant nor has this variant been reported in individuals affected with hereditary cancer in the literature. This variant has not been identified in the general population by the Genome Aggregation Database (gnomAD). Available evidence is insufficient to determine the role of this variant in disease conclusively. Therefore, this variant is classified as a Variant of Uncertain Significance.

NM_005359.6(SMAD4):c.282C>G (p.Ile94Met)

Gene: SMAD4 (SMAD family member 4; plus strand). Cytogenetic location: 18q21.2.
Variant type: single nucleotide variant.
Coding change: c.282C>G on transcript NM_005359.6 (MANE Select); coding-DNA position 282, C replaced by G.
Protein change: p.Ile94Met; replaces isoleucine 94 with methionine.
Molecular consequence: missense variant.
Genome position (GRCh38, 1-based): chr18:51,048,718, C>G. VCF-style: chr18-51048718-C-G. GRCh37 (hg19) VCF-style: chr18-48575088-C-G.
Other names: short protein forms I94M.
Identifiers: ClinVar variation 920622 (VCV000920622.6), dbSNP rs1599182415, ClinGen allele CA402458234.